The following continues an entry in ClinVar:

NM_007294.4(BRCA1):c.5138T>C (p.Val1713Ala)

Gene: BRCA1. ClinVar aggregate classification (germline): Likely pathogenic. Likely pathogenic (1).

Submissions 8 to 16 of 16:

Ambry Genetics
Classification: Likely pathogenic for Hereditary cancer-predisposing syndrome. Last evaluated: 2022-03-30. Review status: criteria provided, single submitter. Criteria: Ambry Variant Classification Scheme 2023. Collection method: clinical testing. Allele origin: germline. Not counted in ClinVar's aggregate classification.
Comment: The p.V1713A variant (also known as c.5138T>C), located in coding exon 16 of the BRCA1 gene, results from a T to C substitution at nucleotide position 5138. The valine at codon 1713 is replaced by alanine, an amino acid with similar properties. This individual's family history was significant for breast and ovarian cancer, but co-segregation could not be established due to family members being deceased (Struewing JP et al. Am. J. Hum. Genet., 1995 Jul;57:1-7). Multiple transcriptional activation functional studies classified this variant as functionally deleterious (Findlay GM et al. Nature, 2018 10;562:217-222; Iversen ES et al. Cancer Epidemiol. Biomarkers Prev., 2011 Jun;20:1078-88; Karchin R et al. PLoS Comput. Biol., 2007 Feb;3:e26; Lee MS et al. Cancer Res., 2010 Jun;70:4880-90; Petitalot A et al. Mol Cancer Res, 2019 01;17:54-69; Woods NT et al. NPJ Genom Med, 2016 Mar). This allele was reported in one heterozygous individual in population-based cohorts in the Genome Aggregation Database (gnomAD). V1713A destabilizes the structure as much as other pathogenic variants nearby (Ambry internal data). This amino acid position is not well conserved in available vertebrate species. In addition, this alteration is predicted to be deleterious by in silico analysis. Based on the majority of available evidence to date, this variant is likely to be pathogenic.

Department of Pathology and Laboratory Medicine, Sinai Health System
Classification: Uncertain significance for Fanconi anemia, complementation group S. Last evaluated: 2019-10-21. Review status: criteria provided, single submitter. Criteria: ACMG Guidelines, 2015. Collection method: clinical testing. Allele origin: germline. Not counted in ClinVar's aggregate classification.

Genetic Services Laboratory, University of Chicago
Classification: Likely pathogenic. Last evaluated: 2018-05-18. Review status: criteria provided, single submitter. Criteria: ACMG Guidelines, 2015. Collection method: clinical testing. Allele origin: germline. Affected: yes. Not counted in ClinVar's aggregate classification.

Counsyl
Classification: Uncertain significance for Breast-ovarian cancer, familial, susceptibility to, 1. Last evaluated: 2018-05-10. Review status: no assertion criteria provided. Collection method: clinical testing. Allele origin: unknown. Not counted in ClinVar's aggregate classification.

Breast Cancer Information Core (BIC) (BRCA1)
Classification: Uncertain significance for Breast-ovarian cancer, familial 1. Last evaluated: 2002-07-10. Review status: no assertion criteria provided. Collection method: clinical testing. Allele origin: germline. Affected: yes. Observed: 3 variant alleles. Not counted in ClinVar's aggregate classification.

Brotman Baty Institute, University of Washington
No classification provided (evidence only). Condition: Breast-ovarian cancer, familial 1. Review status: no classification provided. Collection method: in vitro. Allele origin: not applicable. Functional consequence: functionally_abnormal. Not counted in ClinVar's aggregate classification.
ClinVar note: "not provided" was previously submitted as the classification for the variant. However, the classification appeared to be based only on an observation of functional data so it was converted to no classification on 2025-07-30.

Diagnostic Laboratory, Department of Genetics, University Medical Center Groningen
Classification: Likely pathogenic. Review status: no assertion criteria provided. Collection method: clinical testing. Allele origin: germline. Affected: yes. Study: VKGL Data-share Consensus. Not counted in ClinVar's aggregate classification.

Joint Genome Diagnostic Labs from Nijmegen and Maastricht, Radboudumc and MUMC+
Classification: Likely pathogenic. Review status: no assertion criteria provided. Collection method: clinical testing. Allele origin: germline. Affected: yes. Study: VKGL Data-share Consensus. Not counted in ClinVar's aggregate classification.

Eurofins Ntd Llc (ga)
Classification: Uncertain significance. Last evaluated: 2018-05-25. Review status: flagged submission. Criteria: EGL ClinVar v180209 classification definitions. Collection method: clinical testing. Allele origin: germline. Observed: 1 variant allele, 1 heterozygote. Not counted in ClinVar's aggregate classification.
ClinVar note: Reason: Older and outlier claim with insufficient supporting evidence

Literature cited by the submitters: PubMed 7611277 (cited by 6 submitters); PubMed 25556971 (cited by 3 submitters); PubMed 30209399 (cited by 4 submitters); PubMed 17305420 (cited by Labcorp Genetics (formerly Invitae), Labcorp and Ambry Genetics); PubMed 17308087 (cited by 5 submitters); PubMed 20516115 (cited by 7 submitters); PubMed 21447777 (cited by 4 submitters); PubMed 30257991 (cited by Center for Genomic Medicine, Rigshospitalet, Copenhagen University Hospital and Ambry Genetics); PubMed 16267036 (cited by Women's Health and Genetics/Laboratory Corporation of America, LabCorp); PubMed 14534301 (cited by Women's Health and Genetics/Laboratory Corporation of America, LabCorp); PubMed 9159158 (cited by Women's Health and Genetics/Laboratory Corporation of America, LabCorp and Counsyl); PubMed 18992264 (cited by Women's Health and Genetics/Laboratory Corporation of America, LabCorp); PubMed 24845084 (cited by Women's Health and Genetics/Laboratory Corporation of America, LabCorp and Counsyl); PubMed 21309043 (cited by Women's Health and Genetics/Laboratory Corporation of America, LabCorp); PubMed 28781887 (cited by 4 submitters); PubMed 30765603 (cited by Women's Health and Genetics/Laboratory Corporation of America, LabCorp and Ambry Genetics); PubMed 12496477 (cited by Department of Pathology and Laboratory Medicine, Sinai Health System and Counsyl); PubMed 25652403 (cited by Counsyl).